The following is an entry in ClinVar:

ClinVar aggregate classification (germline): Uncertain significance (1 of 4 stars; one submission).

Conditions:
Epidermolysis bullosa simplex 3, localized or generalized intermediate, with BP230 deficiency (EBS3). Also called: Epidermolysis bullosa simplex due to BP230 deficiency; Epidermolysis bullosa simplex, autosomal recessive 2. Identifiers: Orphanet 412181, MedGen C3809470, MONDO:0014180, OMIM 615425.
Hereditary sensory and autonomic neuropathy type 6. Also called: Neuropathy, hereditary sensory and autonomic, type VI; HSAN VI. Identifiers: Orphanet 314381, MedGen C3539003, MONDO:0013839, OMIM 614653.

gnomAD v4.1: 2 of 1,612,614 alleles (0.00012%); highest among the groups gnomAD compares: Non-Finnish European, 0.000085%; no homozygotes.

Submission:

Labcorp Genetics (formerly Invitae), Labcorp
Classification: Uncertain significance for Epidermolysis bullosa simplex 3, localized or generalized intermediate, with BP230 deficiency; Hereditary sensory and autonomic neuropathy type 6. Last evaluated: 2024-02-28. Review status: criteria provided, single submitter. Criteria: Invitae Variant Classification Sherloc (09022015). Collection method: clinical testing. Allele origin: germline.
Comment: The DST gene has multiple clinically relevant transcripts. This variant occurs in alternate transcript NM_015548.4, and corresponds to NM_001723.5:c.*155371C>T in the primary transcript. This sequence change creates a premature translational stop signal (p.Arg5080*) in the DST gene. While this is not anticipated to result in nonsense mediated decay, it is expected to disrupt the last 92 amino acid(s) of the DST protein. This variant is not present in population databases (gnomAD no frequency). This variant has not been reported in the literature in individuals affected with DST-related conditions. Experimental studies and prediction algorithms are not available or were not evaluated, and the functional significance of this variant is currently unknown. In summary, the available evidence is currently insufficient to determine the role of this variant in disease. Therefore, it has been classified as a Variant of Uncertain Significance.

NM_001374736.1(DST):c.23179C>T (p.Arg7727Ter)

Gene: DST (dystonin; minus strand). Cytogenetic location: 6p12.1.
Variant type: single nucleotide variant.
Coding change: c.23179C>T on transcript NM_001374736.1 (MANE Select); coding-DNA position 23179, C replaced by T.
Protein change: p.Arg7727Ter; replaces arginine 7727 with a stop codon.
Molecular consequence: nonsense.
Genome position (GRCh38, 1-based): chr6:56,460,146, G>A on the plus strand (C>T on the coding strand, the complement: DST is on the minus strand). VCF-style: chr6-56460146-G-A. GRCh37 (hg19) VCF-style: chr6-56324944-G-A.
Other names: c.16750C>T, p.Arg5584Ter (NM_001144769.5); c.16336C>T, p.Arg5446Ter (NM_001144770.2); c.23107C>T, p.Arg7703Ter (NM_001374722.1); c.22108C>T, p.Arg7370Ter (NM_001374729.1); c.15850C>T, p.Arg5284Ter (NM_001374730.1); c.23134C>T, p.Arg7712Ter (NM_001374734.1); c.16198C>T, p.Arg5400Ter (NM_001386100.1); c.15238C>T, p.Arg5080Ter (NM_015548.5); and 1 more; short protein forms R5080*, R5284*, R5400*, R5406*, R5446*, R5584*, R7370*, R7703*.
Identifiers: ClinVar variation 3762741 (VCV003762741.2).